The following is an entry in ClinVar:

NM_000359.3(TGM1):c.1166G>A (p.Arg389His)

Gene: TGM1 (transglutaminase 1; minus strand). Cytogenetic location: 14q12.
Variant type: single nucleotide variant.
Coding change: c.1166G>A on transcript NM_000359.3 (MANE Select); coding-DNA position 1166, G replaced by A.
Protein change: p.Arg389His; replaces arginine 389 with histidine.
Molecular consequence: missense variant.
Genome position (GRCh38, 1-based): chr14:24,258,667, C>T on the plus strand (G>A on the coding strand, the complement: TGM1 is on the minus strand). VCF-style: chr14-24258667-C-T. GRCh37 (hg19) VCF-style: chr14-24727873-C-T.
Other names: R388H; short protein forms R389H.
Identifiers: ClinVar variation 12489 (VCV000012489.40), dbSNP rs121918723, ClinGen allele CA256467.

ClinVar aggregate classification (germline): Pathogenic/Likely pathogenic. Review status: criteria provided, multiple submitters, no conflicts (2 of 4 stars). 10 submissions from 10 submitters: Pathogenic (6); Likely pathogenic (2). 2 of the submissions do not count toward it. Last evaluated 2026-01-24.

Conditions:
Lamellar ichthyosis. Identifiers: Orphanet 313, MedGen C5848247, MONDO:0017778.
Autosomal recessive congenital ichthyosis 1 (LI1). Also called: COLLODION FETUS; DESQUAMATION OF NEWBORN; ICHTHYOSIS CONGENITA; ICHTHYOSIS CONGENITA II; ICHTHYOSIS, CONGENITAL, AUTOSOMAL RECESSIVE 1, WITH BATHING SUIT DISTRIBUTION; LAMELLAR EXFOLIATION OF NEWBORN. Identifiers: MedGen C4551630, MONDO:0009441, OMIM 242300.
Abnormality of the skin. Identifiers: MedGen C5848159, HP:0000951.

Allele frequency attached by ClinVar (database versions not stated): TOPMed 0.00001.

Submissions (10):

Labcorp Genetics (formerly Invitae), Labcorp
Classification: Pathogenic. Last evaluated: 2026-01-24. Review status: criteria provided, single submitter. Criteria: Invitae Variant Classification Sherloc (09022015). Collection method: clinical testing. Allele origin: germline.
Comment: This sequence change replaces arginine, which is basic and polar, with histidine, which is basic and polar, at codon 389 of the TGM1 protein (p.Arg389His). This variant is present in population databases (rs121918723, gnomAD 0.004%). This missense change has been observed in individual(s) with autosomal recessive congenital ichthyosis (PMID: 11251583, 14996130, 23278109, 27025581). In at least one individual the data is consistent with being in trans (on the opposite chromosome) from a pathogenic variant. This variant is also known as R388H. ClinVar contains an entry for this variant (Variation ID: 12489). Invitae Evidence Modeling of protein sequence and biophysical properties (such as structural, functional, and spatial information, amino acid conservation, physicochemical variation, residue mobility, and thermodynamic stability) indicates that this missense variant is expected to disrupt TGM1 protein function with a positive predictive value of 95%. This variant disrupts the p.Arg389 amino acid residue in TGM1. Other variant(s) that disrupt this residue have been determined to be pathogenic (PMID: 10914678, 16968736, 19241467). This suggests that this residue is clinically significant, and that variants that disrupt this residue are likely to be disease-causing. For these reasons, this variant has been classified as Pathogenic.

Natera, Inc.
Classification: Pathogenic for Autosomal recessive congenital ichthyosis type 1. Last evaluated: 2025-08-04. Review status: criteria provided, single submitter. Criteria: Natera Variant Classification Schema (03/2026). Collection method: clinical testing. Allele origin: germline.
Comment: The c.1166G>A variant in TGM1 is a missense variant predicted to cause substitution of arginine to histidine at amino acid 389. This variant is rare in the general population with a frequency below the threshold expected for the associated phenotype(s). This variant has been observed in one or more individuals affected with the associated recessive disease, as either homozygous or compound heterozygous with a second variant (PMID: 14996130, 35734965, 36262015). A different variant at the same position has been determined to be Pathogenic or Likely Pathogenic. Computational prediction algorithms indicate this variant is likely to affect gene or protein function. Given the available evidence, this variant is classified as Pathogenic.

GeneDx
Classification: Pathogenic. Last evaluated: 2025-02-14. Review status: criteria provided, single submitter. Criteria: GeneDx Variant Classification Process June 2021. Collection method: clinical testing. Allele origin: germline. Affected: yes.
Comment: In silico analysis supports that this missense variant has a deleterious effect on protein structure/function; This variant is associated with the following publications: (PMID: 16968736, 11251583, 10914678, 34908195, 38374194, 35734965, 36262015, 27025581, 19241467, 14996130, 23278109)

Fulgent Genetics
Classification: Likely pathogenic for Autosomal recessive congenital ichthyosis 1. Last evaluated: 2024-04-26. Review status: criteria provided, single submitter. Criteria: ACMG Guidelines, 2015. Collection method: clinical testing. Allele origin: germline.

Women's Health and Genetics/Laboratory Corporation of America, LabCorp
Classification: Pathogenic for Lamellar ichthyosis. Last evaluated: 2024-04-23. Review status: criteria provided, single submitter. Criteria: LabCorp Variant Classification Summary - May 2015. Collection method: clinical testing. Allele origin: germline.
Comment: Variant summary: TGM1 c.1166G>A (p.Arg389His) results in a non-conservative amino acid change in the encoded protein sequence. Five of five in-silico tools predict a damaging effect of the variant on protein function. The variant allele was found at a frequency of 1.6e-05 in 251132 control chromosomes (gnomAD). c.1166G>A has been reported in the literature in multiple individuals affected with Lamellar Ichthyosis (e.g. Akiyama_2001, Hake_2022, Saat_2022). These data indicate that the variant is very likely to be associated with disease. The following publications have been ascertained in the context of this evaluation (PMID: 11251583, 34908195, 35734965). ClinVar contains an entry for this variant (Variation ID: 12489). Based on the evidence outlined above, the variant was classified as pathogenic.

Baylor Genetics
Classification: Pathogenic for Autosomal recessive congenital ichthyosis 1. Last evaluated: 2023-10-16. Review status: criteria provided, single submitter. Criteria: ACMG Guidelines, 2015. Collection method: clinical testing. Allele origin: unknown.

Genome-Nilou Lab
Classification: Pathogenic for Autosomal recessive congenital ichthyosis 1. Last evaluated: 2021-07-22. Review status: criteria provided, single submitter. Criteria: ACMG Guidelines, 2015. Collection method: clinical testing. Allele origin: germline. Affected: no.

Kariminejad - Najmabadi Pathology & Genetics Center
Classification: Likely pathogenic for Abnormality of the skin. Last evaluated: 2021-07-10. Review status: criteria provided, single submitter. Criteria: ACMG Guidelines, 2015. Collection method: clinical testing. Allele origin: germline. Affected: yes.

Counsyl
Classification: Likely pathogenic for Autosomal recessive congenital ichthyosis 1. Last evaluated: 2017-08-25. Review status: no assertion criteria provided. Collection method: clinical testing. Allele origin: unknown. Not counted in ClinVar's aggregate classification.

OMIM
Classification: Pathogenic for ICHTHYOSIS, CONGENITAL, AUTOSOMAL RECESSIVE 1. Last evaluated: 2001-02-01. Review status: no assertion criteria provided. Collection method: literature only. Allele origin: germline. Not counted in ClinVar's aggregate classification.

Literature cited by the submitters: PubMed 11251583 (cited by 4 submitters); PubMed 14996130 (cited by 3 submitters); PubMed 23278109 (cited by Labcorp Genetics (formerly Invitae), Labcorp and Counsyl); PubMed 27025581 (cited by Labcorp Genetics (formerly Invitae), Labcorp and Counsyl); PubMed 10914678 (cited by Labcorp Genetics (formerly Invitae), Labcorp); PubMed 16968736 (cited by Labcorp Genetics (formerly Invitae), Labcorp); PubMed 19241467 (cited by Labcorp Genetics (formerly Invitae), Labcorp); PubMed 35734965 (cited by Natera, Inc. and Women's Health and Genetics/Laboratory Corporation of America, LabCorp); PubMed 36262015 (cited by Natera, Inc.); PubMed 34908195 (cited by Women's Health and Genetics/Laboratory Corporation of America, LabCorp).